The following is an entry in ClinVar:

ClinVar aggregate classification (germline): Uncertain significance (1 of 4 stars; one submission).

gnomAD v4.1: 3 of 1,613,894 alleles (0.00019%); highest among the groups gnomAD compares: Admixed American, 0.0017%; no homozygotes.

Submission:

Labcorp Genetics (formerly Invitae), Labcorp
Classification: Uncertain significance. Last evaluated: 2025-06-15. Review status: criteria provided, single submitter. Criteria: Invitae Variant Classification Sherloc (09022015). Collection method: clinical testing. Allele origin: germline.
Comment: This sequence change replaces serine, which is neutral and polar, with phenylalanine, which is neutral and non-polar, at codon 513 of the GCKR protein (p.Ser513Phe). This variant is present in population databases (no rsID available, gnomAD 0.003%). This variant has not been reported in the literature in individuals affected with GCKR-related conditions. Invitae Evidence Modeling of protein sequence and biophysical properties (such as structural, functional, and spatial information, amino acid conservation, physicochemical variation, residue mobility, and thermodynamic stability) has been performed for this missense variant. However, the output from this modeling did not meet the statistical confidence thresholds required to predict the impact of this variant on GCKR protein function. In summary, the available evidence is currently insufficient to determine the role of this variant in disease. Therefore, it has been classified as a Variant of Uncertain Significance.

NM_001486.4(GCKR):c.1538C>T (p.Ser513Phe)

Gene: GCKR (glucokinase regulator; plus strand). Cytogenetic location: 2p23.3.
Variant type: single nucleotide variant.
Coding change: c.1538C>T on transcript NM_001486.4 (MANE Select); coding-DNA position 1538, C replaced by T.
Protein change: p.Ser513Phe; replaces serine 513 with phenylalanine.
Molecular consequence: missense variant.
Genome position (GRCh38, 1-based): chr2:27,518,903, C>T. VCF-style: chr2-27518903-C-T. GRCh37 (hg19) VCF-style: chr2-27741770-C-T.
Other names: short protein forms S513F.
Identifiers: ClinVar variation 4773752 (VCV004773752.1).